The following is an entry in ClinVar:

ClinVar aggregate classification (germline): Uncertain significance. Review status: criteria provided, multiple submitters, no conflicts (2 of 4 stars). 2 submissions from 2 submitters: Uncertain significance (2). Last evaluated 2025-06-06.

Conditions:
Inborn genetic diseases. Identifiers: MedGen C0950123, MeSH D030342.

gnomAD v4.1: 3 of 1,589,054 alleles (0.00019%); highest among the groups gnomAD compares: Non-Finnish European, 0.00026%; no homozygotes.

Submissions (2):

Ambry Genetics
Classification: Uncertain significance for Inborn genetic diseases. Last evaluated: 2025-06-06. Review status: criteria provided, single submitter. Criteria: Ambry Variant Classification Scheme 2023. Collection method: clinical testing. Allele origin: germline.

Labcorp Genetics (formerly Invitae), Labcorp
Classification: Uncertain significance. Last evaluated: 2025-01-23. Review status: criteria provided, single submitter. Criteria: Invitae Variant Classification Sherloc (09022015). Collection method: clinical testing. Allele origin: germline.
Comment: This sequence change replaces valine, which is neutral and non-polar, with methionine, which is neutral and non-polar, at codon 555 of the MMP14 protein (p.Val555Met). This variant is not present in population databases (gnomAD no frequency). This variant has not been reported in the literature in individuals affected with MMP14-related conditions. An algorithm developed to predict the effect of missense changes on protein structure and function (PolyPhen-2) suggests that this variant is likely to be disruptive. In summary, the available evidence is currently insufficient to determine the role of this variant in disease. Therefore, it has been classified as a Variant of Uncertain Significance.

NM_004995.4(MMP14):c.1663G>A (p.Val555Met)

Gene: MMP14 (matrix metallopeptidase 14; plus strand). Cytogenetic location: 14q11.2.
Variant type: single nucleotide variant.
Coding change: c.1663G>A on transcript NM_004995.4 (MANE Select); coding-DNA position 1663, G replaced by A.
Protein change: p.Val555Met; replaces valine 555 with methionine.
Molecular consequence: missense variant.
Genome position (GRCh38, 1-based): chr14:22,845,953, G>A. VCF-style: chr14-22845953-G-A. GRCh37 (hg19) VCF-style: chr14-23315162-G-A.
Other names: c.1663G>A (NM_004995.2); short protein forms V555M.
Identifiers: ClinVar variation 3606959 (VCV003606959.3).
Genomic context (GRCh38, chr14:22,845,953, plus strand): 5'-GGGGCGGTGAGCGCGGCTGCCGTGGTGCTGCCCGTGCTGCTGCTGCTCCTGGTGCTGGCG[G>A]TGGGCCTTGCAGTCTTCTTCTTCAGACGCCATGGGACCCCCAGGCGACTGCTCTACTGCC-3'
Protein context (NP_004986.1, residues 545-565): PVLLLLLVLA[Val555Met]GLAVFFFRRH